The following is an entry in ClinVar:

NM_002878.4(RAD51D):c.941G>C (p.Trp314Ser)

Genes: RAD51L3-RFFL (RAD51L3-RFFL readthrough; minus strand), RAD51D (RAD51 paralog D; minus strand). Cytogenetic location: 17q12.
Variant type: single nucleotide variant.
Coding change: c.941G>C on transcript NM_002878.4 (MANE Select); coding-DNA position 941, G replaced by C.
Protein change: p.Trp314Ser; replaces tryptophan 314 with serine.
Molecular consequence: missense variant. On other transcripts: non-coding transcript variant (2).
Genome position (GRCh38, 1-based): chr17:35,100,999, C>G on the plus strand (G>C on the coding strand, the complement: RAD51D is on the minus strand). VCF-style: chr17-35100999-C-G. GRCh37 (hg19) VCF-style: chr17-33428018-C-G.
Other names: c.1001G>C, p.Trp334Ser (NM_001142571.2); c.605G>C, p.Trp202Ser (NM_133629.3); short protein forms W314S, W334S, W202S.
Identifiers: ClinVar variation 2448044 (VCV002448044.2), dbSNP rs2142409021, ClinGen allele CA399086117.

ClinVar aggregate classification (germline): Uncertain significance (1 of 4 stars; one submission).

Conditions:
Hereditary cancer-predisposing syndrome. Also called: Neoplastic Syndromes, Hereditary; Hereditary Cancer Syndrome; Tumor predisposition; Hereditary neoplastic syndrome. Identifiers: Orphanet 140162, MedGen C0027672, MeSH D009386, MONDO:0015356.

Submission:

Ambry Genetics
Classification: Uncertain significance for Hereditary cancer-predisposing syndrome. Last evaluated: 2022-12-14. Review status: criteria provided, single submitter. Criteria: Ambry Variant Classification Scheme 2023. Collection method: clinical testing. Allele origin: germline.
Comment: The p.W314S variant (also known as c.941G>C), located in coding exon 10 of the RAD51D gene, results from a G to C substitution at nucleotide position 941. The tryptophan at codon 314 is replaced by serine, an amino acid with highly dissimilar properties. This amino acid position is conserved. In addition, this alteration is predicted to be tolerated by in silico analysis. Since supporting evidence is limited at this time, the clinical significance of this alteration remains unclear.